The following is an entry in ClinVar:

NM_000057.4(BLM):c.863G>A (p.Cys288Tyr)

Gene: BLM (BLM RecQ like helicase; plus strand). Cytogenetic location: 15q26.1.
Variant type: single nucleotide variant.
Coding change: c.863G>A on transcript NM_000057.4 (MANE Select); coding-DNA position 863, G replaced by A.
Protein change: p.Cys288Tyr; replaces cysteine 288 with tyrosine.
Molecular consequence: missense variant. On other transcripts: 5 prime UTR variant (1).
Genome position (GRCh38, 1-based): chr15:90,751,850, G>A. VCF-style: chr15-90751850-G-A. GRCh37 (hg19) VCF-style: chr15-91295080-G-A.
Other names: c.863G>A, p.Cys288Tyr (NM_001287246.2, NM_001287247.2); c.-429G>A (NM_001287248.2); short protein forms C288Y.
Identifiers: ClinVar variation 2586899 (VCV002586899.2), dbSNP rs1260150929, ClinGen allele CA393841753.
Genomic context (GRCh38, chr15:90,751,850, plus strand): 5'-ATAGCGAAAAGAAGAAGAATTTGGAAGAAGCTGAATTACATTCAACTGAGAAAGTTCCAT[G>A]TATTGAATTTGATGATGATGATTATGATACGGATTTTGTTCCACCTTCTCCAGAAGAAAT-3'
Protein context (NP_000048.1, residues 278-298): AELHSTEKVP[Cys288Tyr]IEFDDDDYDT

ClinVar aggregate classification (germline): Uncertain significance (1 of 4 stars; one submission).

Conditions:
Hereditary cancer-predisposing syndrome. Also called: Hereditary neoplastic syndrome; Tumor predisposition; Hereditary Cancer Syndrome; Neoplastic Syndromes, Hereditary. Identifiers: Orphanet 140162, MedGen C0027672, MeSH D009386, MONDO:0015356.

Allele frequency attached by ClinVar (database versions not stated): gnomAD exomes below 0.00001; TOPMed below 0.00001; gnomAD 0.00001.
gnomAD v4.1: 4 of 1,612,548 alleles (0.00025%); highest among the groups gnomAD compares: South Asian, 0.0011%; no homozygotes.

Submission:

Ambry Genetics
Classification: Uncertain significance for Hereditary cancer-predisposing syndrome. Last evaluated: 2023-09-02. Review status: criteria provided, single submitter. Criteria: Ambry Variant Classification Scheme 2023. Collection method: clinical testing. Allele origin: germline.
Comment: The p.C288Y variant (also known as c.863G>A), located in coding exon 3 of the BLM gene, results from a G to A substitution at nucleotide position 863. The cysteine at codon 288 is replaced by tyrosine, an amino acid with highly dissimilar properties. This amino acid position is not well conserved in available vertebrate species. In addition, this alteration is predicted to be tolerated by in silico analysis. Since supporting evidence is limited at this time, the clinical significance of this alteration remains unclear.